The following is an entry in ClinVar:

ClinVar aggregate classification (germline): Uncertain significance. Review status: criteria provided, multiple submitters, no conflicts (2 of 4 stars). 2 submissions from 2 submitters: Uncertain significance (2). Last evaluated 2023-10-28.

Conditions:
Long QT syndrome (LQTS). Identifiers: MedGen C0023976, MeSH D008133, MONDO:0002442. Disease mechanism: loss of function. Inheritance: Various modes of inheritance.
Long QT syndrome 12 (LQT12). Identifiers: Orphanet 101016, Orphanet 768, MedGen C2751830, MONDO:0013062, OMIM 612955.

Allele frequency attached by ClinVar (database versions not stated): ExAC 0.00001; gnomAD 0.00001; gnomAD exomes 0.00001; TOPMed 0.00001; ESP Exome Variant Server 0.00008.

Submissions (2):

Labcorp Genetics (formerly Invitae), Labcorp
Classification: Uncertain significance for Long QT syndrome. Last evaluated: 2023-10-28. Review status: criteria provided, single submitter. Criteria: Invitae Variant Classification Sherloc (09022015). Collection method: clinical testing. Allele origin: germline.
Comment: This sequence change replaces arginine, which is basic and polar, with cysteine, which is neutral and slightly polar, at codon 419 of the SNTA1 protein (p.Arg419Cys). This variant is present in population databases (rs375515058, gnomAD 0.003%). This variant has not been reported in the literature in individuals affected with SNTA1-related conditions. ClinVar contains an entry for this variant (Variation ID: 809246). Advanced modeling of protein sequence and biophysical properties (such as structural, functional, and spatial information, amino acid conservation, physicochemical variation, residue mobility, and thermodynamic stability) performed at Invitae indicates that this missense variant is not expected to disrupt SNTA1 protein function with a negative predictive value of 80%. In summary, the available evidence is currently insufficient to determine the role of this variant in disease. Therefore, it has been classified as a Variant of Uncertain Significance.

ARUP Laboratories, Molecular Genetics and Genomics, ARUP Laboratories
Classification: Uncertain significance for Long QT syndrome 12. Last evaluated: 2020-10-01. Review status: criteria provided, single submitter. Criteria: ARUP Molecular Germline Variant Investigation Process 2021. Collection method: clinical testing. Allele origin: germline.
Comment: The SNTA1 c.1255C>T; p.Arg419Cys variant (rs375515058), to our knowledge, is not reported in the medical literature but is reported in ClinVar (Variation ID: 809246). This variant is found on only three chromosomes (3/251062 alleles) in the Genome Aggregation Database. The arginine at codon 419 is moderately conserved and computational analyses (SIFT, PolyPhen-2) predict that this variant is deleterious. However, given the lack of clinical and functional data, the significance of the p.Arg419Cys variant is uncertain at this time.

NM_003098.3(SNTA1):c.1255C>T (p.Arg419Cys)

Gene: SNTA1 (syntrophin alpha 1; minus strand). Cytogenetic location: 20q11.21.
Variant type: single nucleotide variant.
Coding change: c.1255C>T on transcript NM_003098.3 (MANE Select); coding-DNA position 1255, C replaced by T.
Protein change: p.Arg419Cys; replaces arginine 419 with cysteine.
Molecular consequence: missense variant.
Genome position (GRCh38, 1-based): chr20:33,408,871, G>A on the plus strand (C>T on the coding strand, the complement: SNTA1 is on the minus strand). VCF-style: chr20-33408871-G-A. GRCh37 (hg19) VCF-style: chr20-31996677-G-A.
Other names: short protein forms R419C.
Identifiers: ClinVar variation 809246 (VCV000809246.24), dbSNP rs375515058, ClinGen allele CA9816996.